The following is an entry in ClinVar:

ClinVar aggregate classification (germline): Uncertain significance (1 of 4 stars; one submission).

Allele frequency attached by ClinVar (database versions not stated): gnomAD exomes 0.00001.
gnomAD v4.1: 5 of 1,211,039 alleles (0.00041%); highest among the groups gnomAD compares: Non-Finnish European, 0.00056%; no homozygotes.

Submission:

Geisinger Autism and Developmental Medicine Institute, Geisinger Health System
Classification: Uncertain significance. Last evaluated: 2017-04-09. Review status: criteria provided, single submitter. Criteria: ACMG Guidelines, 2015. Collection method: provider interpretation, clinical testing. Allele origin: unknown. Observed: 1 variant allele.
Comment: Inheritance is unknown. This variant has not been reported previously in the literature, to our knowledge, but an insertion/deletion variant in KIF4A was identified in a family with multiple males with mild to moderate intellectual disability and late childhood-onset epilepsy (Willemsen et al., 2014). The p.Glu1199Lys variant is absent from population databases. Computational prediction models are inconsistent.

Literature cited by the submitters: PubMed 24812067.

NM_012310.5(KIF4A):c.3595G>A (p.Glu1199Lys)

Gene: KIF4A (kinesin family member 4A; plus strand). Cytogenetic location: Xq13.1.
Variant type: single nucleotide variant.
Coding change: c.3595G>A on transcript NM_012310.5 (MANE Select); coding-DNA position 3595, G replaced by A.
Protein change: p.Glu1199Lys; replaces glutamic acid 1199 with lysine.
Molecular consequence: missense variant.
Genome position (GRCh38, 1-based): chrX:70,420,161, G>A. VCF-style: chrX-70420161-G-A. GRCh37 (hg19) VCF-style: chrX-69640011-G-A.
Other names: short protein forms E1199K.
Identifiers: ClinVar variation 560289 (VCV000560289.3), dbSNP rs1569256395, ClinGen allele CA413480181.